The following is an entry in ClinVar:

NM_014585.6(SLC40A1):c.1520A>G (p.His507Arg)

Gene: SLC40A1 (solute carrier family 40 member 1; minus strand). Cytogenetic location: 2q32.2.
Variant type: single nucleotide variant.
Coding change: c.1520A>G on transcript NM_014585.6 (MANE Select); coding-DNA position 1520, A replaced by G.
Protein change: p.His507Arg; replaces histidine 507 with arginine.
Molecular consequence: missense variant.
Genome position (GRCh38, 1-based): chr2:189,562,074, T>C on the plus strand (A>G on the coding strand, the complement: SLC40A1 is on the minus strand). VCF-style: chr2-189562074-T-C. GRCh37 (hg19) VCF-style: chr2-190426800-T-C.
Other names: short protein forms H507R.
Identifiers: ClinVar variation 216680 (VCV000216680.3), dbSNP rs863224768, ClinGen allele CA335971.

ClinVar aggregate classification (germline): Uncertain significance. Review status: criteria provided, single submitter (1 of 4 stars). 2 submissions from 2 submitters: Uncertain significance (1). 1 of the submissions does not count toward it. Last evaluated 2015-03-30.

Conditions:
Hemochromatosis type 4 (HFE4). Also called: HEMOCHROMATOSIS DUE TO DEFECT IN FERROPORTIN; HEMOCHROMATOSIS, AUTOSOMAL DOMINANT; Ferroportin disease. Identifiers: Orphanet 139491, Orphanet 647834, Orphanet 648562, MedGen C1853733, MONDO:0011631, OMIM 606069.

Submissions (2):

Labcorp Genetics (formerly Invitae), Labcorp
Classification: Uncertain significance for Hemochromatosis type 4. Last evaluated: 2015-03-30. Review status: criteria provided, single submitter. Criteria: Invitae Variant Classification Sherloc (09022015). Collection method: clinical testing. Allele origin: germline.
Comment: This sequence change replaces histidine with arginine at codon 507 of the SLC40A1 protein (p.His507Arg). The histidine residue is highly conserved and there is a small physicochemical difference between histidine and arginine. This variant has been reported in the literature and is not present in population databases. This variant was reported in a patient affected with hepatocellular iron storage, hyperferritinemia, and increased transferrin saturation (PMID: 21396368). Segregation studies have not been reported for this variant. Experimental studies have shown that this missense change causes defective hepcidin binding in vitro and leads to hepcidin resistance (PMID: 21396368). Algorithms developed to predict the effect of missense changes on protein structure and function do not agree on the potential impact of this missense change (SIFT: "Tolerated"; PolyPhen-2: "Probably Damaging"; Align-GVGD: "Class C0"). In summary, this variant has been reported in an affected patient and experimental evidence have shown that this missense change disrupts ferroportin function. However, segregation studies have not been reported at this time. For these reasons, this change has been classified as a Variant of Uncertain Significance.

Laboratory of Molecular Genetics and Genomics, Rennes University Hospital
Classification: Uncertain significance for Hemochromatosis type 4. Last evaluated: 2020-07-01. Review status: no assertion criteria provided. Criteria: ACMG Guidelines, 2015. Collection method: clinical testing. Allele origin: germline. Affected: yes. Not counted in ClinVar's aggregate classification.